The following is an entry in ClinVar:

ClinVar aggregate classification (germline): Likely pathogenic. Review status: criteria provided, multiple submitters, no conflicts (2 of 4 stars). 4 submissions from 3 submitters: Likely pathogenic (3). 1 of the submissions does not count toward it. Last evaluated 2026-05-07.

Conditions:
Hematuria, benign familial, 1 (BFH1). Also called: THIN MEMBRANE NEPHROPATHY. Identifiers: MedGen CN376803, MONDO:0007709, OMIM 141200.
Autosomal recessive Alport syndrome (ATS2). Also called: COL4A3-Related Nephropathy; Alport syndrome type 2; COL4A4 Alport Syndrome and Thin Basement Membrane Nephropathy; ALPORT SYNDROME 2, AUTOSOMAL RECESSIVE. Identifiers: Orphanet 63, Orphanet 88919, MedGen C4746745, MONDO:0008762, OMIM 203780.
Autosomal dominant Alport syndrome (ATS3A). Also called: ALPORT SYNDROME 3A, AUTOSOMAL DOMINANT; Alport syndrome dominant type; Renal failure and sensorineural hearing loss. Identifiers: Orphanet 63, Orphanet 88918, MedGen C5882663, MONDO:0007086, OMIM 104200.

Allele frequency attached by ClinVar (database versions not stated): TOPMed below 0.00001.

Submissions (4):

Centre de Génétique Humaine, Institut de Pathologie Et de Génétique
Classification: Likely pathogenic for Autosomal recessive Alport syndrome. Last evaluated: 2026-05-07. Review status: criteria provided, single submitter. Criteria: ACMG Guidelines, 2015. Collection method: clinical testing. Allele origin: germline. Inheritance: Autosomal recessive inheritance. Affected: yes. Observed: 1 variant allele, 1 compound heterozygote. Segregation with disease not observed.
Comment: This missense variant involves a highly conserved glycine located in a ‘Gly-X-Y’ motif in collagenous region, which is characteristic of the pathogenic variants identified in the COL4A4 gene (PM1,PP2). This variant is rare: absent in gnomAD v4.1.0 database (PM2). In silico analysis supports that this missense variant has a deleterious effect (PP3).Described as LP in a patient with AR AS (PP5)

Centre de Génétique Humaine, Institut de Pathologie Et de Génétique
Classification: Likely pathogenic for Autosomal dominant Alport syndrome. Last evaluated: 2026-05-07. Review status: criteria provided, single submitter. Criteria: ACMG Guidelines, 2015. Collection method: clinical testing. Allele origin: maternal, germline, paternal. Inheritance: Autosomal dominant inheritance. Affected: yes. Observed: 9 variant alleles, 9 heterozygotes. Clinical features observed: Microscopic hematuria (HP:0002907), Moderate albuminuria (HP:0012594), Hypertensive disorder (HP:0000822), Stage 5 chronic kidney disease (HP:0003774), Severe albuminuria (HP:0033066), Stage 3 chronic kidney disease (HP:0012625). Segregation with disease observed.
Comment: the same text as in the submission from Centre de Génétique Humaine, Institut de Pathologie Et de Génétique above.

Fulgent Genetics
Classification: Likely pathogenic for Hematuria, benign familial, 1; Autosomal recessive Alport syndrome. Last evaluated: 2024-04-03. Review status: criteria provided, single submitter. Criteria: ACMG Guidelines, 2015. Collection method: clinical testing. Allele origin: germline.

Bioscientia Institut fuer Medizinische Diagnostik GmbH, Sonic Healthcare
Classification: Likely pathogenic for Autosomal recessive Alport syndrome. Last evaluated: 2017-04-20. Review status: no assertion criteria provided. Collection method: clinical testing. Allele origin: germline. Affected: yes. Not counted in ClinVar's aggregate classification.

Literature cited by the submitters: PubMed 33040356 (cited by Centre de Génétique Humaine, Institut de Pathologie Et de Génétique).

NM_000092.5(COL4A4):c.2662G>A (p.Gly888Arg)

Gene: COL4A4 (collagen type IV alpha 4 chain; minus strand). Cytogenetic location: 2q36.3.
Variant type: single nucleotide variant.
Coding change: c.2662G>A on transcript NM_000092.5 (MANE Select); coding-DNA position 2662, G replaced by A.
Protein change: p.Gly888Arg; replaces glycine 888 with arginine.
Molecular consequence: missense variant.
Genome position (GRCh38, 1-based): chr2:227,055,999, C>T on the plus strand (G>A on the coding strand, the complement: COL4A4 is on the minus strand). VCF-style: chr2-227055999-C-T. GRCh37 (hg19) VCF-style: chr2-227920715-C-T.
Other names: p.(Gly888Arg); short protein forms G888R.
Identifiers: ClinVar variation 438705 (VCV000438705.4), dbSNP rs1363277825, ClinGen allele CA350840920.